The following is an entry in ClinVar:

ClinVar aggregate classification (germline): Uncertain significance (1 of 4 stars; one submission).

Conditions:
Osteoporosis with pseudoglioma (OPPG). Also called: osteoporosis-pseudoglioma syndrome. Identifiers: Orphanet 2788, MedGen C0432252, MONDO:0009820, OMIM 259770.

Submission:

Laboratorio de Genetica e Diagnostico Molecular, Hospital Israelita Albert Einstein
Classification: Uncertain significance for Osteoporosis with pseudoglioma. Last evaluated: 2021-11-09. Review status: criteria provided, single submitter. Criteria: ACMG Guidelines, 2015. Collection method: clinical testing. Allele origin: germline. Affected: yes.
Comment: ACMG classification criteria: PM2 moderate, PP3 supporting

NM_002335.4(LRP5):c.787T>C (p.Cys263Arg)

Gene: LRP5 (LDL receptor related protein 5; plus strand). Cytogenetic location: 11q13.2.
Variant type: single nucleotide variant.
Coding change: c.787T>C on transcript NM_002335.4 (MANE Select); coding-DNA position 787, T replaced by C.
Protein change: p.Cys263Arg; replaces cysteine 263 with arginine.
Molecular consequence: missense variant. On other transcripts: 5 prime UTR variant (1).
Genome position (GRCh38, 1-based): chr11:68,363,847, T>C. VCF-style: chr11-68363847-T-C. GRCh37 (hg19) VCF-style: chr11-68131315-T-C.
Other names: c.-979T>C (NM_001291902.2); short protein forms C263R.
Identifiers: ClinVar variation 1683592 (VCV001683592.2), dbSNP rs2153139472, ClinGen allele CA381611108.